The following is an entry in ClinVar:

ClinVar aggregate classification (germline): Uncertain significance. Review status: criteria provided, multiple submitters, no conflicts (2 of 4 stars). 10 submissions from 10 submitters: Uncertain significance (10). Last evaluated 2026-01-13.

Conditions:
Hereditary cancer-predisposing syndrome. Also called: Hereditary Cancer Syndrome; Tumor predisposition; Neoplastic Syndromes, Hereditary; Hereditary neoplastic syndrome. Identifiers: Orphanet 140162, MedGen C0027672, MeSH D009386, MONDO:0015356.
Familial prostate cancer. Also called: Hereditary Prostate Cancer. Identifiers: MedGen C2931456, MONDO:0700275, OMIM 176807.
Bone osteosarcoma. Also called: Osteosarcoma, somatic. Identifiers: Orphanet 668, MedGen C0585442, MONDO:0002629, OMIM 259500.
CHEK2-related cancer predisposition (TPDS4). Also called: CHEK2-related cancer susceptibility; TUMOR PREDISPOSITION SYNDROME 4; CANCER PREDISPOSITION SYNDROME, CHEK2-RELATED. Identifiers: Orphanet 524, MedGen C5882668, MONDO:0700271, OMIM 609265.
Familial cancer of breast. Also called: hereditary breast carcinoma; BREAST CANCER, FAMILIAL; Hereditary breast cancer. Identifiers: Orphanet 227535, MedGen C0346153, MONDO:0016419, OMIM 114480. Disease mechanism: loss of function.
Predisposition to cancer.

Allele frequency attached by ClinVar (database versions not stated): gnomAD exomes below 0.00001 and 0.00001; ExAC 0.00001; gnomAD 0.00003 and 0.00004; TOPMed 0.00004.
gnomAD v4.1: 9 of 1,613,796 alleles (0.00056%); highest among the groups gnomAD compares: African/African-American, 0.012%; no homozygotes.

Submissions (10):

Labcorp Genetics (formerly Invitae), Labcorp
Classification: Uncertain significance for Familial cancer of breast. Last evaluated: 2026-01-13. Review status: criteria provided, single submitter. Criteria: Invitae Variant Classification Sherloc (09022015). Collection method: clinical testing. Allele origin: germline.
Comment: This sequence change replaces serine, which is neutral and polar, with phenylalanine, which is neutral and non-polar, at codon 55 of the CHEK2 protein (p.Ser55Phe). This variant is present in population databases (rs765799649, gnomAD 0.01%). This missense change has been observed in individual(s) with ovarian, peritoneal or fallopian tube cancer (PMID: 22006311, 31871109). ClinVar contains an entry for this variant (Variation ID: 410069). An algorithm developed to predict the effect of missense changes on protein structure and function (PolyPhen-2) suggests that this variant is likely to be disruptive. Experimental studies have shown that this missense change does not substantially affect CHEK2 function (PMID: 22006311). In summary, the available evidence is currently insufficient to determine the role of this variant in disease. Therefore, it has been classified as a Variant of Uncertain Significance.

Ambry Genetics
Classification: Uncertain significance for Hereditary cancer-predisposing syndrome. Last evaluated: 2025-04-01. Review status: criteria provided, single submitter. Criteria: Ambry Variant Classification Scheme 2023. Collection method: clinical testing. Allele origin: germline.
Comment: The p.S55F variant (also known as c.164C>T), located in coding exon 1 of the CHEK2 gene, results from a C to T substitution at nucleotide position 164. The serine at codon 55 is replaced by phenylalanine, an amino acid with highly dissimilar properties. This alteration has been identified in individuals diagnosed with breast and/or ovarian cancer (Walsh T et al. Proc Natl Acad Sci U S A, 2011 Nov;108:18032-7; Adedokun B et al. Cancer Epidemiol Biomarkers Prev, 2020 02;29:359-367; van der Merwe NC et al. Front Oncol, 2022 Dec;12:938561). In addition, this variant was identified in a cohort of 3,579 African males diagnosed with prostate cancer who underwent multi-gene panel testing of 19 DNA repair and cancer predisposition genes (Matejcic M. JCO Precis Oncol . 2020 Jan;4:32-43). This variant has also been reported in 1/1120 pediatric cancer patients who underwent whole genome sequencing and/or whole exome sequencing; this patient was diagnosed with a high grade glioma (Zhang J et al. N Engl J Med, 2015 Dec;373:2336-2346). This variant was reported as functional in a study assessing CHEK2-complementation through quantification of KAP1 phosphorylation and CHK2 autophosphorylation in human RPE1-CHEK2-knockout cells (Stolarova L et al. Clin Cancer Res, 2023 Aug;29:3037-3050). This amino acid position is well conserved in available vertebrate species. In addition, the in silico prediction for this alteration is inconclusive. Based on the available evidence, the clinical significance of this variant remains unclear.

Fulgent Genetics
Classification: Uncertain significance for Familial prostate cancer; Bone osteosarcoma; CHEK2-related cancer predisposition. Last evaluated: 2024-05-04. Review status: criteria provided, single submitter. Criteria: ACMG Guidelines, 2015. Collection method: clinical testing. Allele origin: germline.

GeneDx
Classification: Uncertain significance. Last evaluated: 2024-04-11. Review status: criteria provided, single submitter. Criteria: GeneDx Variant Classification Process June 2021. Collection method: clinical testing. Allele origin: germline. Affected: yes.
Comment: Published functional studies demonstrate no damaging effect: DNA damage response, auto-phosphorylation, and kinase activity comparable to wildtype (PMID: 37449874, 22006311); Observed in individuals with breast cancer, gynecologic cancer, prostate cancer, or glioma (PMID: 22006311, 32832836, 26580448, 37449874); Not observed at significant frequency in large population cohorts (gnomAD); In silico analysis supports that this missense variant has a deleterious effect on protein structure/function; This variant is associated with the following publications: (PMID: 32832836, 26580448, 37449874, 11733767, 22114986, 22006311, 31871109)

Baylor Genetics
Classification: Uncertain significance for Familial cancer of breast. Last evaluated: 2024-03-06. Review status: criteria provided, single submitter. Criteria: ACMG Guidelines, 2015. Collection method: clinical testing. Allele origin: unknown.

St. Jude Molecular Pathology, St. Jude Children's Research Hospital
Classification: Uncertain significance for Predisposition to cancer. Last evaluated: 2023-07-06. Review status: criteria provided, single submitter. Criteria: St. Jude Assertion Criteria 2020. Collection method: clinical testing. Allele origin: germline.
Comment: The CHEK2 c.164C>T (p.Ser55Phe) missense change has a maximum subpopulation frequency of 0.012% in gnomAD v2.1.1. The in silico tool REVEL predicts a benign effect of this variant on protein function, and a yeast-based assay has shown that this variant is able to complement DNA damage hypersensitivity comparable to wild-type CHEK2 (PMID: 22006311). This variant has been identified in an individual with breast cancer who also harbored a pathogenic variant in BRCA2 (PMID: 31871109). In summary, the evidence currently available is insufficient to determine the clinical significance of this variant. It has therefore been classified as of uncertain significance.

Color Diagnostics, LLC DBA Color Health
Classification: Uncertain significance for Hereditary cancer-predisposing syndrome. Last evaluated: 2022-12-13. Review status: criteria provided, single submitter. Criteria: ACMG Guidelines, 2015. Collection method: clinical testing. Allele origin: germline.
Comment: This missense variant replaces serine with phenylalanine at codon 55 of the CHEK2 protein. Computational prediction suggests that this variant may not impact protein structure and function (internally defined REVEL score threshold <= 0.5, PMID: 27666373). A functional study has shown the mutant protein to exhibit near normal activity in a yeast-based DNA damage repair / complementation assay (PMID: 22006311). This variant has been reported in an individual affected with a carcinoma of ovarian, fallopian tube, or peritoneal origin in the literature (PMID: 22006311) and in an individual affected with breast cancer who also carried a pathogenic variant in the BRCA2 gene (PMID: 31871109). This variant has been identified in 2/251444 chromosomes in the general population by the Genome Aggregation Database (gnomAD). The available evidence is insufficient to determine the role of this variant in disease conclusively. Therefore, this variant is classified as a Variant of Uncertain Significance.

Sema4
Classification: Uncertain significance for Hereditary cancer-predisposing syndrome. Last evaluated: 2022-01-25. Review status: criteria provided, single submitter. Criteria: Sema4 Curation Guidelines. Collection method: curation. Allele origin: germline.
Comment: The CHEK2 c.164C>T (p.S55F) variant has been reported in at least one woman from a breast cancer case-control study in Cameroon (PMID: 31871109). It was observed in 2/16256 chromosomes of the African/ African American subpopulation in the large and broad cohorts of Genome Aggregation Database (PMID: 32461654). This variant has been reported in ClinVar (Variation ID: 410069). Functional study has shown that this variant is able to complement DNA damage hypersensitivity to an equivalent level of wild-type CHEK2 in yeast-based complementation assays (PMID: 22006311), however in silico predictions of the variant's effect on protein function are inconclusive. The evidence is insufficient to meet ACMG/AMP criteria for classifying the variant as benign or pathogenic. Thus, the clinical significance of this variant is currently uncertain.

Genetic Services Laboratory, University of Chicago
Classification: Uncertain significance. Last evaluated: 2020-12-22. Review status: criteria provided, single submitter. Criteria: ACMG Guidelines, 2015. Collection method: clinical testing. Allele origin: germline. Affected: no.

Quest Diagnostics Nichols Institute San Juan Capistrano
Classification: Uncertain significance. Last evaluated: 2018-04-13. Review status: criteria provided, single submitter. Criteria: Quest Diagnostics criteria. Collection method: clinical testing. Allele origin: germline.

Literature cited by the submitters: PubMed 22006311 (cited by 4 submitters); PubMed 31871109 (cited by 4 submitters); PubMed 26580448 (cited by Ambry Genetics); PubMed 32832836 (cited by Ambry Genetics); PubMed 36568162 (cited by Ambry Genetics); PubMed 37449874 (cited by Ambry Genetics).

NM_007194.4(CHEK2):c.164C>T (p.Ser55Phe)

Gene: CHEK2 (checkpoint kinase 2; minus strand). Cytogenetic location: 22q12.1.
Variant type: single nucleotide variant.
Coding change: c.164C>T on transcript NM_007194.4 (MANE Select); coding-DNA position 164, C replaced by T.
Protein change: p.Ser55Phe; replaces serine 55 with phenylalanine.
Molecular consequence: missense variant.
Genome position (GRCh38, 1-based): chr22:28,734,558, G>A on the plus strand (C>T on the coding strand, the complement: CHEK2 is on the minus strand). VCF-style: chr22-28734558-G-A. GRCh37 (hg19) VCF-style: chr22-29130546-G-A.
Other names: c.164C>T, p.Ser55Phe (NM_001005735.3, NM_001349956.3, NM_145862.3); c.-614C>T (NM_001257387.3); short protein forms S55F.
Identifiers: ClinVar variation 410069 (VCV000410069.32), dbSNP rs765799649, ClinGen allele CA10168064.